The following is an entry in ClinVar:

ClinVar aggregate classification (germline): Uncertain significance (1 of 4 stars; one submission).

Allele frequency attached by ClinVar (database versions not stated): gnomAD exomes below 0.00001.
gnomAD v4.1: 5 of 1,614,008 alleles (0.00031%); highest among the groups gnomAD compares: Non-Finnish European, 0.00042%; no homozygotes.

Submission:

Ambry Genetics
Classification: Uncertain significance. Last evaluated: 2023-05-04. Review status: criteria provided, single submitter. Criteria: Ambry Variant Classification Scheme 2023. Collection method: clinical testing. Allele origin: germline.
Comment: The p.K66R variant (also known as c.197A>G), located in coding exon 1 of the SLMAP gene, results from an A to G substitution at nucleotide position 197. The lysine at codon 66 is replaced by arginine, an amino acid with highly similar properties. This amino acid position is conserved. In addition, this alteration is predicted to be deleterious by in silico analysis. Since supporting evidence is limited at this time, the clinical significance of this alteration remains unclear.

NM_001377540.1(SLMAP):c.197A>G (p.Lys66Arg)

Gene: SLMAP (sarcolemma associated protein; plus strand). Cytogenetic location: 3p14.3.
Variant type: single nucleotide variant.
Coding change: c.197A>G on transcript NM_001377540.1 (MANE Select); coding-DNA position 197, A replaced by G.
Protein change: p.Lys66Arg; replaces lysine 66 with arginine.
Molecular consequence: missense variant. On other transcripts: non-coding transcript variant (1).
Genome position (GRCh38, 1-based): chr3:57,757,848, A>G. VCF-style: chr3-57757848-A-G. GRCh37 (hg19) VCF-style: chr3-57743575-A-G.
Other names: c.197A>G, p.Lys66Arg (NM_001304420.3, NM_001304421.2, NM_001377538.1 and 17 more transcripts); short protein forms K66R.
Identifiers: ClinVar variation 2562987 (VCV002562987.2), dbSNP rs2531512511, ClinGen allele CA353403612.